The following is an entry in ClinVar:

NM_015001.3(SPEN):c.562A>T (p.Ser188Cys)

Gene: SPEN (spen family transcriptional repressor; plus strand). Cytogenetic location: 1p36.21.
Variant type: single nucleotide variant.
Coding change: c.562A>T on transcript NM_015001.3 (MANE Select); coding-DNA position 562, A replaced by T.
Protein change: p.Ser188Cys; replaces serine 188 with cysteine.
Molecular consequence: missense variant.
Genome position (GRCh38, 1-based): chr1:15,876,359, A>T. VCF-style: chr1-15876359-A-T. GRCh37 (hg19) VCF-style: chr1-16202854-A-T.
Other names: short protein forms S188C.
Identifiers: ClinVar variation 3363297 (VCV003363297.1).

ClinVar aggregate classification (germline): Uncertain significance (1 of 4 stars; one submission).

Submission:

GeneDx
Classification: Uncertain significance. Last evaluated: 2023-10-19. Review status: criteria provided, single submitter. Criteria: GeneDx Variant Classification Process June 2021. Collection method: clinical testing. Allele origin: germline. Affected: yes.
Comment: Has not been previously published as pathogenic or benign to our knowledge; Not observed at significant frequency in large population cohorts (gnomAD); In silico analysis supports that this missense variant has a deleterious effect on protein structure/function